The following is an entry in ClinVar:

ClinVar aggregate classification (germline): Pathogenic (0 of 4 stars; one submission).

Conditions:
Fanconi anemia complementation group A (FANCA). Also called: Fanconi anemia, group A; FANCA-Related Fanconi Anemia. Identifiers: Orphanet 84, MedGen C3469521, MONDO:0009215, OMIM 227650.

Submission:

Leiden Open Variation Database
Classification: Pathogenic for Fanconi anemia complementation group A. Last evaluated: 2020-02-28. Review status: no assertion criteria provided. Collection method: curation. Allele origin: germline. Affected: yes.
Comment: Curator: Arleen D. Auerbach. Submitter to LOVD: Arleen D. Auerbach.

NM_000135.4(FANCA):c.4195G>C (p.Ala1399Pro)

Genes: ZNF276 (zinc finger protein 276; plus strand), FANCA (FA complementation group A; minus strand). Cytogenetic location: 16q24.3.
Variant type: single nucleotide variant.
Coding change: c.4195G>C on transcript NM_000135.4 (MANE Select); coding-DNA position 4195, G replaced by C.
Protein change: p.Ala1399Pro; replaces alanine 1399 with proline.
Molecular consequence: missense variant. On other transcripts: 3 prime UTR variant (2), non-coding transcript variant (4).
Genome position (GRCh38, 1-based): chr16:89,738,947, C>G on the plus strand (G>C on the coding strand, the complement: FANCA is on the minus strand). VCF-style: chr16-89738947-C-G. GRCh37 (hg19) VCF-style: chr16-89805355-C-G.
Other names: c.4199G>C, p.Ser1400Thr (NM_001286167.3); c.*701C>G (NM_001113525.2, NM_152287.4); short protein forms A1399P, S1400T.
Identifiers: ClinVar variation 974171 (VCV000974171.1), dbSNP rs749574677, ClinGen allele CA286614345.
Genomic context (GRCh38, chr16:89,738,947, plus strand): 5'-CCACGTGTGAGAAGCTCTTTTTCGGGCACCGAGGTATTAACTGCAGCAGAAAAAGACGAG[C>G]TTTTGTTATCAGTTCCACGGGGTTGCCCTAGAGAGAAAACAGGCAAACTCACAGGTTAGA-3'
Protein context (NP_000126.2, residues 1389-1409): QGNPVELITK[Ala1399Pro]RLFLLQLIPR